The following is an entry in ClinVar:

ClinVar aggregate classification (germline): Benign. Review status: criteria provided, single submitter (1 of 4 stars). 2 submissions from 2 submitters: Benign (1). 1 of the submissions does not count toward it. Last evaluated 2025-11-03.

Conditions:
CYP51A1-related disorder. Also called: CYP51A1-related condition.

Allele frequency attached by ClinVar (database versions not stated): gnomAD exomes 0.00018; ExAC 0.00059; 1000 Genomes Project 30x 0.00156; 1000 Genomes Project 0.00160; gnomAD 0.00184; ESP Exome Variant Server 0.00208; TOPMed 0.00227.
gnomAD v4.1: 554 of 1,603,642 alleles (0.035%); highest among the groups gnomAD compares: African/African-American, 0.65%; 2 homozygotes.

Submissions (4):

Labcorp Genetics (formerly Invitae), Labcorp
Classification: Benign. Last evaluated: 2025-11-03. Review status: criteria provided, single submitter. Criteria: Invitae Variant Classification Sherloc (09022015). Collection method: clinical testing. Allele origin: germline.

PreventionGenetics, part of Exact Sciences
Classification: Likely benign for CYP51A1-related condition. Last evaluated: 2019-10-28. Review status: no assertion criteria provided. Collection method: clinical testing. Allele origin: germline. Not counted in ClinVar's aggregate classification.
Comment: This variant is classified as likely benign based on ACMG/AMP sequence variant interpretation guidelines (Richards et al. 2015 PMID: 25741868, with internal and published modifications).

Dr. Peter K. Rogan Lab, Western University
No classification provided (evidence only). Condition: Cervical cancer. Review status: no classification provided. Collection method: in vitro. Allele origin: not applicable. Functional consequence: retained intron. Not counted in ClinVar's aggregate classification.

Dr. Peter K. Rogan Lab, Western University
No classification provided (evidence only). Condition: Cervical cancer. Review status: no classification provided. Collection method: in vitro. Allele origin: not applicable. Functional consequence: retained intron. Not counted in ClinVar's aggregate classification.

NM_000786.4(CYP51A1):c.888C>T (p.Tyr296=)

Gene: CYP51A1 (cytochrome P450 family 51 subfamily A member 1; minus strand). Cytogenetic location: 7q21.2.
Variant type: single nucleotide variant.
Coding change: c.888C>T on transcript NM_000786.4 (MANE Select); coding-DNA position 888, C replaced by T.
Protein change: p.Tyr296=; no amino-acid change (tyrosine 296 retained).
Molecular consequence: synonymous variant.
Genome position (GRCh38, 1-based): chr7:92,123,736, G>A on the plus strand (C>T on the coding strand, the complement: CYP51A1 is on the minus strand). VCF-style: chr7-92123736-G-A. GRCh37 (hg19) VCF-style: chr7-91753050-G-A.
Other names: c.573C>T, p.Tyr191= (NM_001146152.2).
Identifiers: ClinVar variation 3040270 (VCV003040270.5), dbSNP rs61735065, ClinGen allele CA4338459.
Genomic context (GRCh38, chr7:92,123,736, plus strand): 5'-TGTGTTTTAATGTGTAATTTCCTGCTTCAGCTTAATATGTTATCTGAATAGCTCTTACTT[G>A]TATGTAGCATCTAGTAAAGTTTGGAGAATGTCATCAATTTTTTCTTGAGACTGTCTGCGT-3'
Protein context (NP_000777.1, residues 286-306): DILQTLLDAT[Tyr296=]KDGRPLTDDE